The following is an entry in ClinVar:

ClinVar aggregate classification (germline): Uncertain significance (1 of 4 stars; one submission).

Submission:

Labcorp Genetics (formerly Invitae), Labcorp
Classification: Uncertain significance. Last evaluated: 2022-03-19. Review status: criteria provided, single submitter. Criteria: Invitae Variant Classification Sherloc (09022015). Collection method: clinical testing. Allele origin: germline.
Comment: This sequence change replaces glycine with aspartic acid at codon 562 of the COL18A1 protein (p.Gly562Asp). There is a moderate physicochemical difference between glycine and aspartic acid. This variant is not present in population databases (gnomAD no frequency). This variant has not been reported in the literature in individuals affected with COL18A1-related conditions. In summary, the available evidence is currently insufficient to determine the role of this variant in disease. Therefore, it has been classified as a Variant of Uncertain Significance.

NM_001379500.1(COL18A1):c.1685G>A (p.Gly562Asp)

Gene: COL18A1 (collagen type XVIII alpha 1 chain; plus strand). Cytogenetic location: 21q22.3.
Variant type: single nucleotide variant.
Coding change: c.1685G>A on transcript NM_001379500.1 (MANE Select); coding-DNA position 1685, G replaced by A.
Protein change: p.Gly562Asp; replaces glycine 562 with aspartic acid.
Molecular consequence: missense variant.
Genome position (GRCh38, 1-based): chr21:45,482,805, G>A. VCF-style: chr21-45482805-G-A. GRCh37 (hg19) VCF-style: chr21-46902719-G-A.
Other names: c.2225G>A, p.Gly742Asp (NM_030582.4); c.2930G>A, p.Gly977Asp (NM_130444.3); short protein forms G742D, G977D, G562D.
Identifiers: ClinVar variation 1386682 (VCV001386682.6), dbSNP rs2145945844, ClinGen allele CA410519067.